The following is an entry in ClinVar:

ClinVar aggregate classification (germline): Benign. Review status: criteria provided, multiple submitters, no conflicts (2 of 4 stars). 2 submissions from 2 submitters: Benign (2). Last evaluated 2026-02-01.

Allele frequency attached by ClinVar (database versions not stated): gnomAD 0.00004 and 0.00060; TOPMed 0.00013; gnomAD exomes 0.00285; ExAC 0.00320; 1000 Genomes Project 30x 0.00390; 1000 Genomes Project 0.00459.
gnomAD v4.1: 1,926 of 1,614,168 alleles (0.12%); highest among the groups gnomAD compares: South Asian, 2%; 36 homozygotes.

Submissions (2):

Labcorp Genetics (formerly Invitae), Labcorp
Classification: Benign. Last evaluated: 2026-02-01. Review status: criteria provided, single submitter. Criteria: Invitae Variant Classification Sherloc (09022015). Collection method: clinical testing. Allele origin: germline.

GeneDx
Classification: Benign. Last evaluated: 2018-05-17. Review status: criteria provided, single submitter. Criteria: GeneDx Variant Classification (06012015). Collection method: clinical testing. Allele origin: germline. Affected: yes.
Comment: This variant is considered likely benign or benign based on one or more of the following criteria: it is a conservative change, it occurs at a poorly conserved position in the protein, it is predicted to be benign by multiple in silico algorithms, and/or has population frequency not consistent with disease.

NM_001098.3(ACO2):c.1605+3G>A

Gene: ACO2 (aconitase 2; plus strand). Cytogenetic location: 22q13.2.
Variant type: single nucleotide variant.
Coding change: c.1605+3G>A on transcript NM_001098.3 (MANE Select); 3 bases into the intron after coding-DNA position 1605, G replaced by A.
Molecular consequence: intron variant.
Genome position (GRCh38, 1-based): chr22:41,524,971, G>A. VCF-style: chr22-41524971-G-A. GRCh37 (hg19) VCF-style: chr22-41920975-G-A.
Identifiers: ClinVar variation 676666 (VCV000676666.9), dbSNP rs563180921, ClinGen allele CA10257705.
Genomic context (GRCh38, chr22:41,524,971, plus strand): 5'-CACGGATGGCAAGAAGTTCAGGCTGGAGGCTCCGGATGCAGATGAGCTTCCCAAAGGGGT[G>A]AGCGCCCACGCCCCCTGCTTGCTGGTTGCTGTGTGGCCACGTCACTTCCTTCTCAACCTC-3'